The following is an entry in ClinVar:

ClinVar aggregate classification (germline): Uncertain significance (1 of 4 stars; one submission).

Conditions:
Primary ciliary dyskinesia 23 (CILD23). Also called: CILIARY DYSKINESIA, PRIMARY, 23, WITH OR WITHOUT SITUS INVERSUS. Identifiers: Orphanet 244, MedGen C3809548, MONDO:0014193, OMIM 615451.

Allele frequency attached by ClinVar (database versions not stated): TOPMed below 0.00001.
gnomAD v4.1: 11 of 1,613,644 alleles (0.00068%); highest among the groups gnomAD compares: Non-Finnish European, 0.00093%; no homozygotes.

Submission:

Labcorp Genetics (formerly Invitae), Labcorp
Classification: Uncertain significance for Primary ciliary dyskinesia 23. Last evaluated: 2022-08-09. Review status: criteria provided, single submitter. Criteria: Invitae Variant Classification Sherloc (09022015). Collection method: clinical testing. Allele origin: germline.
Comment: This variant is present in population databases (rs200299616, gnomAD 0.002%). Algorithms developed to predict the effect of missense changes on protein structure and function output the following: SIFT: "Deleterious"; PolyPhen-2: "Possibly Damaging"; Align-GVGD: "Class C0". The lysine amino acid residue is found in multiple mammalian species, which suggests that this missense change does not adversely affect protein function. ClinVar contains an entry for this variant (Variation ID: 944700). This variant has not been reported in the literature in individuals affected with ARMC4-related conditions. This sequence change replaces glutamic acid, which is acidic and polar, with lysine, which is basic and polar, at codon 754 of the ARMC4 protein (p.Glu754Lys). In summary, the available evidence is currently insufficient to determine the role of this variant in disease. Therefore, it has been classified as a Variant of Uncertain Significance.

NM_018076.5(ODAD2):c.2260G>A (p.Glu754Lys)

Gene: ODAD2 (outer dynein arm docking complex subunit 2; minus strand). Cytogenetic location: 10p12.1.
Variant type: single nucleotide variant.
Coding change: c.2260G>A on transcript NM_018076.5 (MANE Select); coding-DNA position 2260, G replaced by A.
Protein change: p.Glu754Lys; replaces glutamic acid 754 with lysine.
Molecular consequence: missense variant.
Genome position (GRCh38, 1-based): chr10:27,935,245, C>T on the plus strand (G>A on the coding strand, the complement: ODAD2 is on the minus strand). VCF-style: chr10-27935245-C-T. GRCh37 (hg19) VCF-style: chr10-28224174-C-T.
Other names: c.2260G>A, p.Glu754Lys (NM_001290020.2); c.835G>A, p.Glu279Lys (NM_001290021.2); c.1336G>A, p.Glu446Lys (NM_001312689.2); short protein forms E279K, E446K, E754K.
Identifiers: ClinVar variation 944700 (VCV000944700.9), dbSNP rs200299616, ClinGen allele CA5453241.
Genomic context (GRCh38, chr10:27,935,245, plus strand): 5'-CAAGTACTTCTTCAGGCTGATCTGTTAGAAGTCCCACCAAGGTTTCAATGGCTTTGTATT[C>T]CCGAAACCTAAGTTCATCATAAGAAAGAGGAGAATTGGTTTTTGTATAAGGTTTGCTAAA-3'
Protein context (NP_060546.2, residues 744-764): ISKENVTKFR[Glu754Lys]YKAIETLVGL